The following is an entry in ClinVar:

NM_000092.5(COL4A4):c.4857T>C (p.Pro1619=)

Gene: COL4A4 (collagen type IV alpha 4 chain; minus strand). Cytogenetic location: 2q36.3.
Variant type: single nucleotide variant.
Coding change: c.4857T>C on transcript NM_000092.5 (MANE Select); coding-DNA position 4857, T replaced by C.
Protein change: p.Pro1619=; no amino-acid change (proline 1619 retained).
Molecular consequence: synonymous variant.
Genome position (GRCh38, 1-based): chr2:227,007,541, A>G on the plus strand (T>C on the coding strand, the complement: COL4A4 is on the minus strand). VCF-style: chr2-227007541-A-G. GRCh37 (hg19) VCF-style: chr2-227872257-A-G.
Identifiers: ClinVar variation 334700 (VCV000334700.21), dbSNP rs184776061, ClinGen allele CA2144030.

ClinVar aggregate classification (germline): Benign/Likely benign. Review status: criteria provided, multiple submitters, no conflicts (2 of 4 stars). 6 submissions from 6 submitters: Benign (2); Likely benign (2). 2 of the submissions do not count toward it. Last evaluated 2026-01-28.

Conditions:
Alport syndrome. Also called: Hemorrhagic familial nephritis; Hemorrhagic hereditary nephritis; Congenital hereditary hematuria. Identifiers: Orphanet 63, MedGen C1567741, MONDO:0018965.
COL4A4-related disorder.

Allele frequency attached by ClinVar (database versions not stated): TOPMed 0.00052; gnomAD exomes 0.00064 and 0.00020; ExAC 0.00071; 1000 Genomes Project 0.00160; 1000 Genomes Project 30x 0.00172; gnomAD 0.00017 and 0.00025.

Submissions (6):

Labcorp Genetics (formerly Invitae), Labcorp
Classification: Benign. Last evaluated: 2026-01-28. Review status: criteria provided, single submitter. Criteria: Invitae Variant Classification Sherloc (09022015). Collection method: clinical testing. Allele origin: germline.

Blueprint Genetics
Classification: Likely benign. Last evaluated: 2024-08-07. Review status: criteria provided, single submitter. Criteria: ACMG Guidelines, 2015. Collection method: clinical testing. Allele origin: germline.

GeneDx
Classification: Benign. Last evaluated: 2019-12-17. Review status: criteria provided, single submitter. Criteria: GeneDx Variant Classification Process June 2021. Collection method: clinical testing. Allele origin: germline. Affected: yes.

Illumina Laboratory Services, Illumina
Classification: Likely benign for Alport syndrome. Last evaluated: 2018-01-13. Review status: criteria provided, single submitter. Criteria: ICSL Variant Classification Criteria 13 December 2019. Collection method: clinical testing. Allele origin: germline.
Comment: This variant was observed in the ICSL laboratory as part of a predisposition screen in an ostensibly healthy population. It had not been previously curated by ICSL or reported in the Human Gene Mutation Database (HGMD: prior to June 1st, 2018), and was therefore a candidate for classification through an automated scoring system. Utilizing variant allele frequency, disease prevalence and penetrance estimates, and inheritance mode, an automated score was calculated to assess if this variant is too frequent to cause the disease. Based on the score and internal cut-off values, a variant classified as likely benign is not then subjected to further curation. The score for this variant resulted in a classification of likely benign for this disease.

Natera, Inc.
Classification: Likely benign for Alport syndrome. Last evaluated: 2019-10-28. Review status: no assertion criteria provided. Collection method: clinical testing. Allele origin: germline. Not counted in ClinVar's aggregate classification.

PreventionGenetics, part of Exact Sciences
Classification: Benign for COL4A4-related condition. Last evaluated: 2019-06-13. Review status: no assertion criteria provided. Collection method: clinical testing. Allele origin: germline. Not counted in ClinVar's aggregate classification.
Comment: This variant is classified as benign based on ACMG/AMP sequence variant interpretation guidelines (Richards et al. 2015 PMID: 25741868, with internal and published modifications).